The following is an entry in ClinVar:

ClinVar aggregate classification (germline): Likely benign. Review status: criteria provided, multiple submitters, no conflicts (2 of 4 stars). 3 submissions from 3 submitters: Likely benign (2). 1 of the submissions does not count toward it. Last evaluated 2024-09-02.

Conditions:
FBLN1-related disorder. Also called: FBLN1-related condition.

Allele frequency attached by ClinVar (database versions not stated): gnomAD 0.00001; gnomAD exomes 0.00001; TOPMed 0.00002; ESP Exome Variant Server 0.00008.
gnomAD v4.1: 29 of 1,613,934 alleles (0.0018%); highest among the groups gnomAD compares: Non-Finnish European, 0.0021%; no homozygotes.

Submissions (3):

Blueprint Genetics
Classification: Likely benign. Last evaluated: 2024-09-02. Review status: criteria provided, single submitter. Criteria: ACMG Guidelines, 2015. Collection method: clinical testing. Allele origin: germline.

Labcorp Genetics (formerly Invitae), Labcorp
Classification: Likely benign. Last evaluated: 2018-06-13. Review status: criteria provided, single submitter. Criteria: Invitae Variant Classification Sherloc (09022015). Collection method: clinical testing. Allele origin: germline.

PreventionGenetics, part of Exact Sciences
Classification: Likely benign for FBLN1-related condition. Last evaluated: 2019-05-20. Review status: no assertion criteria provided. Collection method: clinical testing. Allele origin: germline. Not counted in ClinVar's aggregate classification.
Comment: This variant is classified as likely benign based on ACMG/AMP sequence variant interpretation guidelines (Richards et al. 2015 PMID: 25741868, with internal and published modifications).

NM_006486.3(FBLN1):c.1866G>A (p.Thr622=)

Gene: FBLN1 (fibulin 1; plus strand). Cytogenetic location: 22q13.31.
Variant type: single nucleotide variant.
Coding change: c.1866G>A on transcript NM_006486.3 (MANE Select); coding-DNA position 1866, G replaced by A.
Protein change: p.Thr622=; no amino-acid change (threonine 622 retained).
Molecular consequence: synonymous variant.
Genome position (GRCh38, 1-based): chr22:45,577,002, G>A. VCF-style: chr22-45577002-G-A. GRCh37 (hg19) VCF-style: chr22-45972882-G-A.
Identifiers: ClinVar variation 752129 (VCV000752129.6), dbSNP rs368050507, ClinGen allele CA325035672.